The following is an entry in ClinVar:

ClinVar aggregate classification (germline): Likely pathogenic (1 of 4 stars; one submission).

Conditions:
Tuberous sclerosis 2 (TSC2). Identifiers: Orphanet 805, MedGen C1860707, MONDO:0013199, OMIM 613254.

Submission:

Labcorp Genetics (formerly Invitae), Labcorp
Classification: Likely pathogenic for Tuberous sclerosis 2. Last evaluated: 2022-04-29. Review status: criteria provided, single submitter. Criteria: Invitae Variant Classification Sherloc (09022015). Collection method: clinical testing. Allele origin: germline.
Comment: This sequence change replaces cysteine, which is neutral and slightly polar, with glycine, which is neutral and non-polar, at codon 900 of the TSC2 protein (p.Cys900Gly). In summary, the currently available evidence indicates that the variant is pathogenic, but additional data are needed to prove that conclusively. Therefore, this variant has been classified as Likely Pathogenic. This variant disrupts the p.Cys900 amino acid residue in TSC2. Other variant(s) that disrupt this residue have been determined to be pathogenic (PMID: 29432982; Invitae). This suggests that this residue is clinically significant, and that variants that disrupt this residue are likely to be disease-causing. Advanced modeling of protein sequence and biophysical properties (such as structural, functional, and spatial information, amino acid conservation, physicochemical variation, residue mobility, and thermodynamic stability) performed at Invitae indicates that this missense variant is expected to disrupt TSC2 protein function. This variant has not been reported in the literature in individuals affected with TSC2-related conditions. This variant is not present in population databases (gnomAD no frequency).

Literature cited by the submitters: PubMed 29432982.

NM_000548.5(TSC2):c.2698T>G (p.Cys900Gly)

Gene: TSC2 (TSC complex subunit 2; plus strand). Cytogenetic location: 16p13.3.
Variant type: single nucleotide variant.
Coding change: c.2698T>G on transcript NM_000548.5 (MANE Select); coding-DNA position 2698, T replaced by G.
Protein change: p.Cys900Gly; replaces cysteine 900 with glycine.
Molecular consequence: missense variant.
Genome position (GRCh38, 1-based): chr16:2,076,126, T>G. VCF-style: chr16-2076126-T-G. GRCh37 (hg19) VCF-style: chr16-2126127-T-G.
Other names: c.2698T>G, p.Cys900Gly (NM_001077183.3, NM_001114382.3, NM_001363528.2 and 6 more transcripts); c.2587T>G, p.Cys863Gly (NM_001318827.2, NM_001406678.1, NM_001406670.1); c.2551T>G, p.Cys851Gly (NM_001318829.2, NM_001406676.1, NM_001406679.1 and 1 more transcripts); c.2098T>G, p.Cys700Gly (NM_001318831.2, NM_001406680.1, NM_001406682.1 and 6 more transcripts); c.2731T>G, p.Cys911Gly (NM_001318832.2); c.2641T>G, p.Cys881Gly (NM_001406677.1); c.2236T>G, p.Cys746Gly (NM_001406681.1); c.1354T>G, p.Cys452Gly (NM_001406695.1, NM_001406696.1, NM_001406697.1 and 6 more transcripts); and 3 more; short protein forms C366G, C700G, C746G, C863G, C900G, C930G, C851G, C881G.
Identifiers: ClinVar variation 2115144 (VCV002115144.4), dbSNP rs1354917235, ClinGen allele CA394279424.